The following is an entry in ClinVar:

NM_001407.3(CELSR3):c.*9C>T

Gene: CELSR3 (cadherin EGF LAG seven-pass G-type receptor 3; minus strand). Cytogenetic location: 3p21.31.
Variant type: single nucleotide variant.
Coding change: c.*9C>T on transcript NM_001407.3 (MANE Select); 9 bases downstream of the stop codon, C replaced by T.
Molecular consequence: 3 prime UTR variant.
Genome position (GRCh38, 1-based): chr3:48,638,196, G>A on the plus strand (C>T on the coding strand, the complement: CELSR3 is on the minus strand). VCF-style: chr3-48638196-G-A. GRCh37 (hg19) VCF-style: chr3-48675629-G-A.
Identifiers: ClinVar variation 3048844 (VCV003048844.2), dbSNP rs200275511, ClinGen allele CA2383410.
Genomic context (GRCh38, chr3:48,638,196, plus strand): 5'-CTGGAGTCTCTCCTGTTAGCCTAGATCCTCTGTCGCCCTCAGCTGTTCCTCGTCCACGCC[G>A]TCATCCCCTCAGGAGTGACCCTCACTTCTGGGAACTCTGGAGGCACATGAGGAAATCAGA-3'

ClinVar aggregate classification (germline): Likely benign (0 of 4 stars; one submission).

Conditions:
CELSR3-related disorder. Also called: CELSR3-related condition.

Allele frequency attached by ClinVar (database versions not stated): gnomAD exomes 0.00007; ExAC 0.00029; 1000 Genomes Project 0.00060; ESP Exome Variant Server 0.00077; 1000 Genomes Project 30x 0.00078; TOPMed 0.00078; gnomAD 0.00082.
gnomAD v4.1: 230 of 1,611,564 alleles (0.014%); highest among the groups gnomAD compares: African/African-American, 0.28%; no homozygotes.

Submission:

PreventionGenetics, part of Exact Sciences
Classification: Likely benign for CELSR3-related condition. Last evaluated: 2019-11-25. Review status: no assertion criteria provided. Collection method: clinical testing. Allele origin: germline.
Comment: This variant is classified as likely benign based on ACMG/AMP sequence variant interpretation guidelines (Richards et al. 2015 PMID: 25741868, with internal and published modifications).